The following is an entry in ClinVar:

NM_000135.4(FANCA):c.4011-30_4011-15del

Genes: FANCA (FA complementation group A; minus strand), ZNF276 (zinc finger protein 276; plus strand). Cytogenetic location: 16q24.3.
Variant type: Deletion.
Coding change: c.4011-30_4011-15del on transcript NM_000135.4 (MANE Select); 30 bases into the intron before coding-DNA position 4011 through 15 bases into the intron before coding-DNA position 4011, 16 bases deleted (AGCCATTTGTCACTAT).
Molecular consequence: intron variant. On other transcripts: 3 prime UTR variant (2), non-coding transcript variant (4).
Genome position (GRCh38, 1-based): chr16:89,739,304-89,739,319, ATAGTGACAAATGGCT deleted on the plus strand (AGCCATTTGTCACTAT on the coding strand, the reverse complement: FANCA is on the minus strand); deleting any 16 consecutive bases within chr16:89,739,304-89,739,320 gives the same sequence; the c. name uses the placement nearest the transcript's 3' end. VCF-style (leftmost placement, unchanged base first): chr16-89739303-CATAGTGACAAATGGCT-C. GRCh37 (hg19) VCF-style: chr16-89805711-CATAGTGACAAATGGCT-C.
Other names: c.*1059_*1074del (NM_001113525.2, NM_152287.4); c.4011-30_4011-15del (NM_001286167.3).
Identifiers: ClinVar variation 3662335 (VCV003662335.2).

ClinVar aggregate classification (germline): Uncertain significance (1 of 4 stars; one submission).

Conditions:
Fanconi anemia (FA). Also called: Fanconi's anemia. Identifiers: Orphanet 84, MedGen C0015625, MeSH D005199, MONDO:0019391.

Submission:

Labcorp Genetics (formerly Invitae), Labcorp
Classification: Uncertain significance for Fanconi anemia. Last evaluated: 2024-08-14. Review status: criteria provided, single submitter. Criteria: Invitae Variant Classification Sherloc (09022015). Collection method: clinical testing. Allele origin: germline.
Comment: This sequence change falls in intron 40 of the FANCA gene. It does not directly change the encoded amino acid sequence of the FANCA protein. This variant is not present in population databases (gnomAD no frequency). This variant has not been reported in the literature in individuals affected with FANCA-related conditions. In summary, the available evidence is currently insufficient to determine the role of this variant in disease. Therefore, it has been classified as a Variant of Uncertain Significance.